The following is an entry in ClinVar:

NM_003906.5(MCM3AP):c.3503_3507dup (p.Gln1170Ter)

Gene: MCM3AP (minichromosome maintenance complex component 3 associated protein; minus strand). Cytogenetic location: 21q22.3.
Variant type: Microsatellite.
Coding change: c.3503_3507dup on transcript NM_003906.5 (MANE Select); coding-DNA positions 3503 to 3507, 5 bases duplicated (TGAGC; older notation c.3503_3507dupTGAGC).
Protein change: p.Gln1170Ter; replaces glutamine 1170 with a stop codon.
Molecular consequence: nonsense.
Genome position (GRCh38, 1-based): chr21:46,260,867-46,260,871, GCTCA duplicated on the plus strand (TGAGC on the coding strand, the reverse complement: MCM3AP is on the minus strand); duplicating any 5 consecutive bases within chr21:46,260,867-46,260,876 gives the same sequence; the c. name uses the placement nearest the transcript's 3' end. VCF-style (leftmost placement, unchanged base first): chr21-46260866-G-GGCTCA. GRCh37 (hg19) VCF-style: chr21-47680780-G-GGCTCA.
Other names: short protein forms Q1170*.
Identifiers: ClinVar variation 1453302 (VCV001453302.6), dbSNP rs2145663057, ClinGen allele CA2580615228.

ClinVar aggregate classification (germline): Pathogenic (1 of 4 stars; one submission).

Submission:

Labcorp Genetics (formerly Invitae), Labcorp
Classification: Pathogenic. Last evaluated: 2021-10-19. Review status: criteria provided, single submitter. Criteria: Invitae Variant Classification Sherloc (09022015). Collection method: clinical testing. Allele origin: germline.
Comment: This sequence change creates a premature translational stop signal (p.Gln1170*) in the MCM3AP gene. It is expected to result in an absent or disrupted protein product. Loss-of-function variants in MCM3AP are known to be pathogenic (PMID: 28633435). This variant is not present in population databases (gnomAD no frequency). This variant has not been reported in the literature in individuals affected with MCM3AP-related conditions. For these reasons, this variant has been classified as Pathogenic.

Literature cited by the submitters: PubMed 28633435.